The following is an entry in ClinVar:

NM_015330.6(SPECC1L):c.2642C>A (p.Ser881Tyr)

Genes: SPECC1L (sperm antigen with calponin homology and coiled-coil domains 1 like; plus strand), SPECC1L-ADORA2A (SPECC1L-ADORA2A readthrough (NMD candidate); plus strand). Cytogenetic location: 22q11.23.
Variant type: single nucleotide variant.
Coding change: c.2642C>A on transcript NM_015330.6 (MANE Select); coding-DNA position 2642, C replaced by A.
Protein change: p.Ser881Tyr; replaces serine 881 with tyrosine.
Molecular consequence: missense variant. On other transcripts: non-coding transcript variant (1).
Genome position (GRCh38, 1-based): chr22:24,338,467, C>A. VCF-style: chr22-24338467-C-A. GRCh37 (hg19) VCF-style: chr22-24734435-C-A.
Other names: c.2642C>A, p.Ser881Tyr (NM_001145468.4, NM_001254732.3); short protein forms S881Y.
Identifiers: ClinVar variation 4997917 (VCV004997917.1).

ClinVar aggregate classification (germline): Uncertain significance (1 of 4 stars; one submission).

Conditions:
SPECC1L-related disorder. Also called: SPECC1L-related condition.

gnomAD v4.1: 6 of 1,613,926 alleles (0.00037%); highest among the groups gnomAD compares: Non-Finnish European, 0.00051%; no homozygotes.

Submission:

PreventionGenetics, part of Exact Sciences
Classification: Uncertain significance for SPECC1L-related condition. Last evaluated: 2024-12-11. Review status: criteria provided, single submitter. Criteria: ACMG Guidelines, 2015. Collection method: clinical testing. Allele origin: germline.
Comment: The SPECC1L c.2642C>A variant is predicted to result in the amino acid substitution p.Ser881Tyr. To our knowledge, this variant has not been reported in the literature. This variant is reported in 0.0065% of alleles in individuals of European (Non-Finnish) descent in gnomAD. At this time, the clinical significance of this variant is uncertain due to the absence of conclusive functional and genetic evidence.